The following is an entry in ClinVar:

ClinVar aggregate classification (germline): Likely benign. Review status: criteria provided, multiple submitters, no conflicts (2 of 4 stars). 7 submissions from 7 submitters: Likely benign (6). 1 of the submissions does not count toward it. Last evaluated 2026-05-18.

Conditions:
Familial colorectal cancer type X. Identifiers: Orphanet 440437, MedGen C3896578, MONDO:0018604.
Hereditary cancer-predisposing syndrome. Also called: Hereditary Cancer Syndrome; Hereditary neoplastic syndrome; Tumor predisposition; Neoplastic Syndromes, Hereditary. Identifiers: Orphanet 140162, MedGen C0027672, MeSH D009386, MONDO:0015356.
Ataxia-telangiectasia syndrome (AT). Also called: Ataxia-telangiectasia, complementation group E; Ataxia-telangiectasia, complementation group D; AT, COMPLEMENTATION GROUP C; ATAXIA-TELANGIECTASIA, COMPLEMENTATION GROUP A; ATAXIA-TELANGIECTASIA, FRESNO VARIANT; Ataxia-telangiectasia. Identifiers: Orphanet 100, MedGen C0004135, MONDO:0008840, OMIM 208900.

Allele frequency attached by ClinVar (database versions not stated): ExAC 0.00002; gnomAD exomes 0.00002 and 0.00011; TOPMed 0.00003; gnomAD 0.00005; ESP Exome Variant Server 0.00008.
gnomAD v4.1: 153 of 1,594,416 alleles (0.0096%); highest among the groups gnomAD compares: Non-Finnish European, 0.013%; no homozygotes.

Submissions (7):

Women's Health and Genetics/Laboratory Corporation of America, LabCorp
Classification: Likely benign. Last evaluated: 2026-05-18. Review status: criteria provided, single submitter. Criteria: LabCorp Variant Classification Summary - May 2015. Collection method: clinical testing. Allele origin: germline.

Labcorp Genetics (formerly Invitae), Labcorp
Classification: Likely benign for Ataxia-telangiectasia syndrome. Last evaluated: 2026-02-03. Review status: criteria provided, single submitter. Criteria: Invitae Variant Classification Sherloc (09022015). Collection method: clinical testing. Allele origin: germline.

Blueprint Genetics
Classification: Likely benign. Last evaluated: 2024-05-08. Review status: criteria provided, single submitter. Criteria: ACMG Guidelines, 2015. Collection method: clinical testing. Allele origin: germline.

Department of Pathology and Laboratory Medicine, Sinai Health System
Classification: Likely benign for Familial colorectal cancer type X. Last evaluated: 2020-01-30. Review status: criteria provided, single submitter. Criteria: ACMG Guidelines, 2015. Collection method: clinical testing. Allele origin: germline. Affected: yes.

GeneDx
Classification: Likely benign. Last evaluated: 2017-04-25. Review status: criteria provided, single submitter. Criteria: GeneDx Variant Classification (06012015). Collection method: clinical testing. Allele origin: germline. Affected: yes.
Comment: This variant is considered likely benign or benign based on one or more of the following criteria: it is a conservative change, it occurs at a poorly conserved position in the protein, it is predicted to be benign by multiple in silico algorithms, and/or has population frequency not consistent with disease.

Color Diagnostics, LLC DBA Color Health
Classification: Likely benign for Hereditary cancer-predisposing syndrome. Last evaluated: 2016-05-12. Review status: criteria provided, single submitter. Criteria: ACMG Guidelines, 2015. Collection method: clinical testing. Allele origin: germline.

Counsyl
Classification: Likely benign for Ataxia-telangiectasia syndrome. Last evaluated: 2017-07-03. Review status: no assertion criteria provided. Collection method: clinical testing. Allele origin: unknown. Not counted in ClinVar's aggregate classification.

NM_000051.4(ATM):c.5005+14A>T

Gene: ATM (ATM serine/threonine kinase; plus strand). Cytogenetic location: 11q22.3.
Variant type: single nucleotide variant.
Coding change: c.5005+14A>T on transcript NM_000051.4 (MANE Select); 14 bases into the intron after coding-DNA position 5005, A replaced by T.
Molecular consequence: intron variant.
Genome position (GRCh38, 1-based): chr11:108,297,396, A>T. VCF-style: chr11-108297396-A-T. GRCh37 (hg19) VCF-style: chr11-108168123-A-T.
Other names: c.5005+14A>T (NM_001351834.2).
Identifiers: ClinVar variation 377515 (VCV000377515.15), dbSNP rs374337879, ClinGen allele CA6265594.